The following is an entry in ClinVar:

NM_000179.3(MSH6):c.2669T>C (p.Val890Ala)

Gene: MSH6 (mutS homolog 6; plus strand). Cytogenetic location: 2p16.3.
Variant type: single nucleotide variant.
Coding change: c.2669T>C on transcript NM_000179.3 (MANE Select); coding-DNA position 2669, T replaced by C.
Protein change: p.Val890Ala; replaces valine 890 with alanine.
Molecular consequence: missense variant.
Genome position (GRCh38, 1-based): chr2:47,800,652, T>C. VCF-style: chr2-47800652-T-C. GRCh37 (hg19) VCF-style: chr2-48027791-T-C.
Other names: c.2279T>C, p.Val760Ala (NM_001281492.2); c.1763T>C, p.Val588Ala (NM_001281493.2, NM_001281494.2); short protein forms V890A, V760A, V588A.
Identifiers: ClinVar variation 428357 (VCV000428357.15), dbSNP rs1114167741, ClinGen allele CA346755240.
Genomic context (GRCh38, chr2:47,800,652, plus strand): 5'-AAATTATAGGGATCATGGAAGAAGTTGCTGATGGTTTTAAGTCTAAAATCCTTAAGCAGG[T>C]CATCTCTCTGCAGACAAAAAATCCTGAAGGTCGTTTTCCTGATTTGACTGTAGAATTGAA-3'
Protein context (NP_000170.1, residues 880-900): DGFKSKILKQ[Val890Ala]ISLQTKNPEG

ClinVar aggregate classification (germline): Conflicting classifications of pathogenicity. Review status: criteria provided, conflicting classifications (1 of 4 stars). 4 submissions from 4 submitters: Uncertain significance (3); Likely benign (1). Last evaluated 2025-11-17.

Conditions:
Hereditary nonpolyposis colorectal neoplasms. Identifiers: MedGen C0009405, MeSH D003123.
Hereditary cancer-predisposing syndrome. Also called: Hereditary Cancer Syndrome; Neoplastic Syndromes, Hereditary; Hereditary neoplastic syndrome; Tumor predisposition. Identifiers: Orphanet 140162, MedGen C0027672, MeSH D009386, MONDO:0015356.

Allele frequency attached by ClinVar (database versions not stated): gnomAD exomes below 0.00001.
gnomAD v4.1: 1 of 1,614,192 alleles (0.000062%); highest among the groups gnomAD compares: East Asian, 0.0022%; no homozygotes.

Submissions (4):

Labcorp Genetics (formerly Invitae), Labcorp
Classification: Likely benign for Hereditary nonpolyposis colorectal neoplasms. Last evaluated: 2025-11-17. Review status: criteria provided, single submitter. Criteria: Invitae Variant Classification Sherloc (09022015). Collection method: clinical testing. Allele origin: germline.

Color Diagnostics, LLC DBA Color Health
Classification: Uncertain significance for Hereditary cancer-predisposing syndrome. Last evaluated: 2023-12-05. Review status: criteria provided, single submitter. Criteria: ACMG Guidelines, 2015. Collection method: clinical testing. Allele origin: germline.
Comment: This missense variant replaces valine with alanine at codon 890 of the MSH6 protein. Computational prediction suggests that this variant may not impact protein structure and function (internally defined REVEL score threshold <= 0.5, PMID: 27666373). To our knowledge, functional studies have not been reported for this variant. This variant has not been reported in individuals affected with MSH6-related disorders in the literature. This variant has been identified in 1/250528 chromosomes in the general population by the Genome Aggregation Database (gnomAD). The available evidence is insufficient to determine the role of this variant in disease conclusively. Therefore, this variant is classified as a Variant of Uncertain Significance.

GeneDx
Classification: Uncertain significance. Last evaluated: 2020-03-10. Review status: criteria provided, single submitter. Criteria: GeneDx Variant Classification Process June 2021. Collection method: clinical testing. Allele origin: germline. Affected: yes.
Comment: Not observed at a significant frequency in large population cohorts (Lek 2016); In silico analysis supports that this missense variant does not alter protein structure/function; Has not been previously published as pathogenic or benign to our knowledge

Ambry Genetics
Classification: Uncertain significance for Hereditary cancer-predisposing syndrome. Last evaluated: 2016-06-13. Review status: criteria provided, single submitter. Criteria: Ambry Variant Classification Scheme 2023. Collection method: clinical testing. Allele origin: germline.
Comment: The p.V890A variant (also known as c.2669T>C), located in coding exon 4 of the MSH6 gene, results from a T to C substitution at nucleotide position 2669. The valine at codon 890 is replaced by alanine, an amino acid with some similar properties. This variant was not reported in population based cohorts in the following databases: Database of Single Nucleotide Polymorphisms (dbSNP), NHLBI Exome Sequencing Project (ESP), and 1000 Genomes Project. In the ESP, this variant was not observed in 6,503 samples (13,006 alleles) with coverage at this position. To date, this alteration has been detected with an allele frequency of approximately 0.001% (greater than 150000 alleles tested) in our clinical cohort. This amino acid position is poorly conserved in available vertebrate species. This alteration is predicted to be benign and tolerated by PolyPhen and SIFT in silico analyses, respectively. In addition, the CoDP in silico tool predicts this alteration to have a minor impact on molecular function, with a score of 0.340 (Terui H et al. J. Biomed. Sci. 2013;20:25). Since supporting evidence is limited at this time, the clinical significance of this alteration remains unclear.